The following is an entry in ClinVar:

ClinVar aggregate classification (germline): Benign. Review status: reviewed by expert panel (3 of 4 stars). 3 submissions from 3 submitters: Benign (1). 2 of the submissions do not count toward it. Last evaluated 2026-05-20.

Conditions:
Inborn genetic diseases. Identifiers: MedGen C0950123, MeSH D030342.
Ornithine carbamoyltransferase deficiency (OTCD). Also called: ORNITHINE TRANSCARBAMYLASE DEFICIENCY; ORNITHINE TRANSCARBAMYLASE DEFICIENCY, HYPERAMMONEMIA DUE TO; Ornithine Carbamoyltransferase Deficiency Disease; OTC DEFICIENCY. Identifiers: Orphanet 664, MedGen C0268542, MONDO:0010703, OMIM 311250.

gnomAD v4.1: 96 of 1,195,319 alleles (0.008%); highest among the groups gnomAD compares: Non-Finnish European, 0.0031%; no homozygotes.

Submissions (3):

Clingen Urea Cycle Disorders Variant Curation Expert Panel, ClinGen
Classification: Benign for Ornithine carbamoyltransferase deficiency. Last evaluated: 2026-05-20. Review status: reviewed by expert panel. Criteria: ClinGen UreaCycles ACMG Specifications OTC V1.0. Collection method: curation. Allele origin: germline. Inheritance: X-linked inheritance.
Comment: The NM_000531.6:c.449C>T variant in OTC is a missense variant predicted to cause substitution of threonine by isoleucine at amino acid 150 (p.Thr150Ile). To our knowledge, this variant has not been reported in the literature in any individuals with OTC deficiency. The highest population minor allele frequency in gnomAD v4.1.0 is 0.001484 (69/46507alleles) in the European (Finnish) population and there are 33 hemizygotes in total, which is higher than the ClinGen OTC VCEP threshold (>10 male hemizygotes) for BA1, and therefore meets this criterion (BA1). Expression of the variant in yeast resulted in unimpaired (>90% of wild-type) growth, indicating that this variant does not impact protein function (PMID: 37146589) (BS3_Supporting). The computational predictor REVEL gives a score of 0.434 which is neither above nor below the thresholds predicting a damaging (>0.644) or benign (<0.290) impact on OTC function. In summary, this variant meets the criteria to be classified as benign for OTC deficiency based on the ACMG/AMP criteria applied, as specified by the ClinGen Urea Cycle Disorders Variant Curation Expert Panel (OTC specifications version 1.0.0): BA1, BS3_Moderate.

Ambry Genetics
Classification: Likely benign for Inborn genetic diseases. Last evaluated: 2026-07-07. Review status: criteria provided, single submitter. Criteria: Ambry Variant Classification Scheme 2023. Collection method: clinical testing. Allele origin: germline. Not counted in ClinVar's aggregate classification.

Labcorp Genetics (formerly Invitae), Labcorp
Classification: Benign for Ornithine carbamoyltransferase deficiency. Last evaluated: 2025-12-16. Review status: criteria provided, single submitter. Criteria: Invitae Variant Classification Sherloc (09022015). Collection method: clinical testing. Allele origin: germline. Not counted in ClinVar's aggregate classification.

Literature cited by the submitters: PubMed 37146589 (cited by Clingen Urea Cycle Disorders Variant Curation Expert Panel, ClinGen).

NM_000531.6(OTC):c.449C>T (p.Thr150Ile)

Gene: OTC (ornithine transcarbamylase; plus strand). Cytogenetic location: Xp11.4.
Variant type: single nucleotide variant.
Coding change: c.449C>T on transcript NM_000531.6 (MANE Select); coding-DNA position 449, C replaced by T.
Protein change: p.Thr150Ile; replaces threonine 150 with isoleucine.
Molecular consequence: missense variant.
Genome position (GRCh38, 1-based): chrX:38,401,337, C>T. VCF-style: chrX-38401337-C-T. GRCh37 (hg19) VCF-style: chrX-38260590-C-T.
Other names: NM_000531.6(OTC):c.449C>T; p.Thr150Ile; c.449C>T (NM_000531.5); short protein forms T150I.
Identifiers: ClinVar variation 1168599 (VCV001168599.11), dbSNP rs766735977, ClinGen allele CA10385873.